The following is an entry in ClinVar:

NM_001843.4(CNTN1):c.1228+8T>C

Gene: CNTN1 (contactin 1; plus strand). Cytogenetic location: 12q12.
Variant type: single nucleotide variant.
Coding change: c.1228+8T>C on transcript NM_001843.4 (MANE Select); 8 bases into the intron after coding-DNA position 1228, T replaced by C.
Molecular consequence: intron variant.
Genome position (GRCh38, 1-based): chr12:40,937,695, T>C. VCF-style: chr12-40937695-T-C. GRCh37 (hg19) VCF-style: chr12-41331497-T-C.
Other names: c.1228+8T>C (NM_001256063.2, NM_001256064.2, NM_001843.3); c.1195+8T>C (NM_175038.2).
Identifiers: ClinVar variation 2059887 (VCV002059887.5), dbSNP rs373160695, ClinGen allele CA6516803.

ClinVar aggregate classification (germline): Likely benign. Review status: criteria provided, single submitter (1 of 4 stars). 2 submissions from 2 submitters: Likely benign (1). 1 of the submissions does not count toward it. Last evaluated 2025-06-22.

Conditions:
CNTN1-related disorder. Also called: CNTN1-related condition.
Compton-North congenital myopathy (CMYO12). Identifiers: Orphanet 210163, MedGen C2675527, MONDO:0012929, OMIM 612540.

Allele frequency attached by ClinVar (database versions not stated): gnomAD exomes 0.00002; gnomAD 0.00003; ExAC 0.00007; TOPMed 0.00007; ESP Exome Variant Server 0.00023.
gnomAD v4.1: 34 of 1,464,004 alleles (0.0023%); highest among the groups gnomAD compares: Non-Finnish European, 0.0031%; 1 homozygote.

Submissions (2):

Labcorp Genetics (formerly Invitae), Labcorp
Classification: Likely benign for Compton-North congenital myopathy. Last evaluated: 2025-06-22. Review status: criteria provided, single submitter. Criteria: Invitae Variant Classification Sherloc (09022015). Collection method: clinical testing. Allele origin: germline.

PreventionGenetics, part of Exact Sciences
Classification: Likely benign for CNTN1-related condition. Last evaluated: 2024-08-05. Review status: no assertion criteria provided. Collection method: clinical testing. Allele origin: germline. Not counted in ClinVar's aggregate classification.
Comment: This variant is classified as likely benign based on ACMG/AMP sequence variant interpretation guidelines (Richards et al. 2015 PMID: 25741868, with internal and published modifications).